The following is an entry in ClinVar:

ClinVar aggregate classification (germline): Benign/Likely benign. Review status: criteria provided, multiple submitters, no conflicts (2 of 4 stars). 2 submissions from 2 submitters: Benign (1); Likely benign (1). Last evaluated 2023-12-01.

Allele frequency attached by ClinVar (database versions not stated): 1000 Genomes Project 0.00040; 1000 Genomes Project 30x 0.00047; gnomAD exomes 0.00170; ExAC 0.00181; gnomAD 0.00215 and 0.00222; TOPMed 0.00230; ESP Exome Variant Server 0.00238.
gnomAD v4.1: 5,751 of 1,513,868 alleles (0.38%); highest among the groups gnomAD compares: Non-Finnish European, 0.48%; 20 homozygotes.

Submissions (2):

CeGaT Center for Human Genetics Tuebingen
Classification: Likely benign. Last evaluated: 2023-12-01. Review status: criteria provided, single submitter. Criteria: CeGaT Center For Human Genetics Tuebingen Variant Classification Criteria Version 2. Collection method: clinical testing. Allele origin: germline. Affected: yes. Observed: 2 variant alleles.
Comment: BCL9: BP4, BS1

Labcorp Genetics (formerly Invitae), Labcorp
Classification: Benign. Last evaluated: 2018-07-20. Review status: criteria provided, single submitter. Criteria: Invitae Variant Classification Sherloc (09022015). Collection method: clinical testing. Allele origin: germline.

NM_004326.4(BCL9):c.661-8G>T

Gene: BCL9 (BCL9 transcription coactivator; plus strand). Cytogenetic location: 1q21.2.
Variant type: single nucleotide variant.
Coding change: c.661-8G>T on transcript NM_004326.4 (MANE Select); 8 bases into the intron before coding-DNA position 661, G replaced by T.
Molecular consequence: intron variant.
Genome position (GRCh38, 1-based): chr1:147,618,808, G>T. VCF-style: chr1-147618808-G-T. GRCh37 (hg19) VCF-style: chr1-147090614-G-T.
Identifiers: ClinVar variation 718807 (VCV000718807.26), dbSNP rs201382423, ClinGen allele CA1064396.